The following is an entry in ClinVar:

ClinVar aggregate classification (germline): Uncertain significance (1 of 4 stars; one submission).

Conditions:
Anauxetic dysplasia. Identifiers: Orphanet 93347, MedGen C1846796, MONDO:0011773.

gnomAD v4.1: 4 of 690,272 alleles (0.00058%); highest among the groups gnomAD compares: Non-Finnish European, 0.00027%; no homozygotes.

Submission:

Labcorp Genetics (formerly Invitae), Labcorp
Classification: Uncertain significance for Anauxetic dysplasia. Last evaluated: 2024-11-30. Review status: criteria provided, single submitter. Criteria: Invitae Variant Classification Sherloc (09022015). Collection method: clinical testing. Allele origin: germline.
Comment: This variant occurs in the RMRP gene, which encodes an RNA molecule that does not result in a protein product. This variant is present in population databases (no rsID available, gnomAD 0.03%). This variant has not been reported in the literature in individuals affected with RMRP-related conditions. ClinVar contains an entry for this variant (Variation ID: 2144630). Experimental studies and prediction algorithms are not available or were not evaluated, and the functional significance of this variant is currently unknown. In summary, the available evidence is currently insufficient to determine the role of this variant in disease. Therefore, it has been classified as a Variant of Uncertain Significance.

NC_000009.12:g.35658017C>A

Gene: RMRP (RNA component of mitochondrial RNA processing endoribonuclease; minus strand). Cytogenetic location: 9p13.3.
Variant type: single nucleotide variant.
Genome position: GRCh38 VCF-style: chr9-35658017-C-A. GRCh37 (hg19) VCF-style: chr9-35658014-C-A.
Identifiers: ClinVar variation 2144630 (VCV002144630.2), dbSNP rs905844277, ClinGen allele CA464451099.